The following is an entry in ClinVar:

NM_000548.5(TSC2):c.2768C>G (p.Ser923Cys)

Gene: TSC2 (TSC complex subunit 2; plus strand). Cytogenetic location: 16p13.3.
Variant type: single nucleotide variant.
Coding change: c.2768C>G on transcript NM_000548.5 (MANE Select); coding-DNA position 2768, C replaced by G.
Protein change: p.Ser923Cys; replaces serine 923 with cysteine.
Molecular consequence: missense variant.
Genome position (GRCh38, 1-based): chr16:2,076,516, C>G. VCF-style: chr16-2076516-C-G. GRCh37 (hg19) VCF-style: chr16-2126517-C-G.
Other names: c.2768C>G, p.Ser923Cys (NM_001077183.3, NM_001114382.3, NM_001363528.2 and 3 more transcripts); c.2657C>G, p.Ser886Cys (NM_001318827.2); c.2621C>G, p.Ser874Cys (NM_001318829.2); c.2168C>G, p.Ser723Cys (NM_001318831.2); c.2801C>G, p.Ser934Cys (NM_001318832.2); short protein forms S923C, S874C, S934C, S723C, S886C.
Identifiers: ClinVar variation 135376 (VCV000135376.16), dbSNP rs587778731, ClinGen allele CA018139.

ClinVar aggregate classification (germline): Conflicting classifications of pathogenicity. Review status: criteria provided, conflicting classifications (1 of 4 stars). 7 submissions from 7 submitters: Uncertain significance (5); Benign (1). 1 of the submissions does not count toward it. Last evaluated 2024-09-29.

Conditions:
Hereditary cancer-predisposing syndrome. Also called: Tumor predisposition; Hereditary neoplastic syndrome; Neoplastic Syndromes, Hereditary; Hereditary Cancer Syndrome. Identifiers: Orphanet 140162, MedGen C0027672, MeSH D009386, MONDO:0015356.
Tuberous sclerosis syndrome (TSC). Also called: Tuberous sclerosis; Tuberous Sclerosis Complex. Identifiers: Orphanet 805, MedGen C0041341, MONDO:0001734.
Isolated focal cortical dysplasia type II (FCORD2). Also called: CORTICAL DYSPLASIA OF TAYLOR; Focal cortical dysplasia type II. Identifiers: Orphanet 268994, MedGen C1846385, MONDO:0011818, OMIM 607341, HP:0032051.
Tuberous sclerosis 2 (TSC2). Identifiers: Orphanet 805, MedGen C1860707, MONDO:0013199, OMIM 613254.

Allele frequency attached by ClinVar (database versions not stated): gnomAD exomes 0.00001; ExAC 0.00002.
gnomAD v4.1: 7 of 1,613,544 alleles (0.00043%); highest among the groups gnomAD compares: South Asian, 0.0077%; no homozygotes.

Submissions (7):

Labcorp Genetics (formerly Invitae), Labcorp
Classification: Benign for Tuberous sclerosis 2. Last evaluated: 2024-09-29. Review status: criteria provided, single submitter. Criteria: Invitae Variant Classification Sherloc (09022015). Collection method: clinical testing. Allele origin: germline.

All of Us Research Program, National Institutes of Health
Classification: Uncertain significance for Tuberous sclerosis syndrome. Last evaluated: 2023-06-28. Review status: criteria provided, single submitter. Criteria: ACMG Guidelines, 2015. Collection method: clinical testing. Allele origin: germline. Inheritance: Autosomal dominant inheritance. Observed: 1 variant allele, 1 heterozygote.
Comment: This study involves interpretation of variants in research participants for the purpose of population health screening. Participant phenotype was not available at the time of variant classification. Additional details can be found in publication PMID: 35346344, PMCID: PMC8962531

Neuberg Centre For Genomic Medicine, NCGM
Classification: Uncertain significance for Isolated focal cortical dysplasia type II. Last evaluated: 2023-02-14. Review status: criteria provided, single submitter. Criteria: ACMG Guidelines, 2015. Collection method: clinical testing. Allele origin: germline. Inheritance: Autosomal dominant inheritance. Affected: yes.

GeneDx
Classification: Uncertain significance. Last evaluated: 2022-09-03. Review status: criteria provided, single submitter. Criteria: GeneDx Variant Classification Process June 2021. Collection method: clinical testing. Allele origin: germline. Affected: yes.
Comment: In silico analysis supports that this missense variant does not alter protein structure/function; Has not been previously published as pathogenic or benign to our knowledge; This variant is associated with the following publications: (PMID: 24728327)

Sema4
Classification: Uncertain significance for Hereditary cancer-predisposing syndrome. Last evaluated: 2021-11-22. Review status: criteria provided, single submitter. Criteria: Sema4 Curation Guidelines. Collection method: curation. Allele origin: germline.
Comment: To the best of our knowledge, the TSC2 c.2768C>G (p.S923C) variant has not been reported in individuals with TSC2-related disease. It was observed in 2/30614 chromosomes of the South Asian subpopulation in the large and broad cohorts of the Genome Aggregation Database (PMID: 32461654). The variant has been reported in ClinVar (Variation ID: 135376). Functional studies have not been performed, and in silico predictions of the variant's effect on protein function are inconclusive. The evidence is insufficient to meet ACMG/AMP criteria for classifying the variant as benign or pathogenic. Thus, the clinical significance of this variant is currently uncertain.

Ambry Genetics
Classification: Uncertain significance for Hereditary cancer-predisposing syndrome. Last evaluated: 2018-04-03. Review status: criteria provided, single submitter. Criteria: Ambry Variant Classification Scheme 2023. Collection method: clinical testing. Allele origin: germline.
Comment: The p.S923C variant (also known as c.2768C>G), located in coding exon 24 of the TSC2 gene, results from a C to G substitution at nucleotide position 2768. The serine at codon 923 is replaced by cysteine, an amino acid with dissimilar properties. This amino acid position is well conserved in available vertebrate species. In addition, the in silico prediction for this alteration is inconclusive. Since supporting evidence is limited at this time, the clinical significance of this alteration remains unclear.

ITMI
No classification provided. Condition: AllHighlyPenetrant. Last evaluated: 2013-09-19. Review status: no classification provided. Collection method: reference population. Allele origin: germline. Not counted in ClinVar's aggregate classification.
Comment: Please see associated publication for description of ethnicities

Literature cited by the submitters: PubMed 24728327 (cited by ITMI).